The following is an entry in ClinVar:

ClinVar aggregate classification (germline): Benign. Review status: criteria provided, multiple submitters, no conflicts (2 of 4 stars). 6 submissions from 6 submitters: Benign (6). Last evaluated 2026-02-02.

Conditions:
Congenital disorder of glycosylation, type Ii. Also called: CDG Ii; ALG2-congenital disorder of glycosylation; ALG2-CDG. Identifiers: Orphanet 79326, MedGen C1842836, MONDO:0011933, OMIM 607906.
Congenital myasthenic syndrome 14. Also called: Myasthenic syndrome, congenital, 14, with tubular aggregates. Identifiers: Orphanet 353327, Orphanet 590, MedGen C4015597, MONDO:0014543, OMIM 616228.

Allele frequency attached by ClinVar (database versions not stated): 1000 Genomes Project 0.03834; gnomAD 0.05444 and 0.05393; gnomAD exomes 0.07433 and 0.06149; TOPMed 0.05359; ESP Exome Variant Server 0.05859; ExAC 0.05969; 1000 Genomes Project 30x 0.03779.
gnomAD v4.1: 116,635 of 1,613,910 alleles (7.2%); highest among the groups gnomAD compares: Middle Eastern, 8.1%; 4,714 homozygotes.

Submissions (6):

Labcorp Genetics (formerly Invitae), Labcorp
Classification: Benign for Congenital disorder of glycosylation, type Ii; Congenital myasthenic syndrome 14. Last evaluated: 2026-02-02. Review status: criteria provided, single submitter. Criteria: Invitae Variant Classification Sherloc (09022015). Collection method: clinical testing. Allele origin: germline.

Mayo Clinic Laboratories, Mayo Clinic
Classification: Benign. Last evaluated: 2017-07-24. Review status: criteria provided, single submitter. Criteria: ACMG Guidelines, 2015. Collection method: clinical testing. Allele origin: germline. Observed: 70 variant alleles.

GeneDx
Classification: Benign. Last evaluated: 2015-12-21. Review status: criteria provided, single submitter. Criteria: GeneDx Variant Classification (06012015). Collection method: clinical testing. Allele origin: germline. Affected: yes.
Comment: This variant is considered likely benign or benign based on one or more of the following criteria: it is a conservative change, it occurs at a poorly conserved position in the protein, it is predicted to be benign by multiple in silico algorithms, and/or has population frequency not consistent with disease.

Eurofins Ntd Llc (ga)
Classification: Benign. Last evaluated: 2012-10-04. Review status: criteria provided, single submitter. Criteria: EGL Classification Definitions 2015. Collection method: clinical testing. Allele origin: germline. Observed: 4 variant alleles, 4 heterozygotes.

Breakthrough Genomics
Classification: Benign. Review status: criteria provided, single submitter. Criteria: ACMG Guidelines, 2015. Collection method: not provided. Allele origin: germline. Inheritance: Autosomal recessive inheritance. Affected: yes.

PreventionGenetics, part of Exact Sciences
Classification: Benign. Review status: criteria provided, single submitter. Criteria: ACMG Guidelines, 2015. Collection method: clinical testing. Allele origin: germline.

NM_033087.4(ALG2):c.1100T>C (p.Val367Ala)

Gene: ALG2 (ALG2 alpha-1,3/1,6-mannosyltransferase; minus strand). Cytogenetic location: 9q22.33.
Variant type: single nucleotide variant.
Coding change: c.1100T>C on transcript NM_033087.4 (MANE Select); coding-DNA position 1100, T replaced by C.
Protein change: p.Val367Ala; replaces valine 367 with alanine.
Molecular consequence: missense variant. On other transcripts: non-coding transcript variant (1).
Genome position (GRCh38, 1-based): chr9:99,218,085, A>G on the plus strand (T>C on the coding strand, the complement: ALG2 is on the minus strand). VCF-style: chr9-99218085-A-G. GRCh37 (hg19) VCF-style: chr9-101980367-A-G.
Other names: short protein forms V367A.
Identifiers: ClinVar variation 96236 (VCV000096236.17), dbSNP rs35626507, ClinGen allele CA149381.